The following is an entry in ClinVar:

NM_032383.5(HPS3):c.2372_2373del (p.Pro791fs)

Genes: CP (ceruloplasmin; minus strand), HPS3 (HPS3 biogenesis of lysosomal organelles complex 2 subunit 1; plus strand). Cytogenetic location: 3q24.
Variant type: Deletion.
Coding change: c.2372_2373del on transcript NM_032383.5 (MANE Select); coding-DNA positions 2372 to 2373, 2 bases deleted (CA; older notation c.2372_2373delCA).
Protein change: p.Pro791fs; shifts the reading frame from proline 791.
Molecular consequence: frameshift variant. On other transcripts: non-coding transcript variant (1).
Genome position (GRCh38, 1-based): chr3:149,162,769-149,162,770, CA deleted. VCF-style (leftmost placement, unchanged base first): chr3-149162768-CCA-C. GRCh37 (hg19) VCF-style: chr3-148880555-CCA-C.
Other names: c.1877_1878del, p.Pro626fs (NM_001308258.2); short protein forms P626fs, P791fs.
Identifiers: ClinVar variation 3241745 (VCV003241745.2), dbSNP rs2473124046.

ClinVar aggregate classification (germline): Pathogenic/Likely pathogenic. Review status: criteria provided, multiple submitters, no conflicts (2 of 4 stars). 2 submissions from 2 submitters: Pathogenic (1); Likely pathogenic (1). Last evaluated 2026-05-22.

Conditions:
Hermansky-Pudlak syndrome 3 (HPS3). Identifiers: Orphanet 231512, Orphanet 79430, MedGen C3888001, MONDO:0013555, OMIM 614072.

Submissions (2):

Myriad Genetics, Inc.
Classification: Pathogenic for Hermansky-Pudlak syndrome 3. Last evaluated: 2026-05-22. Review status: criteria provided, single submitter. Criteria: Myriad Autosomal Dominant, Autosomal Recessive and X-Linked Classification Criteria (2023). Collection method: clinical testing. Allele origin: unknown.
Comment: NM_032383.3(HPS3):c.2372_2373delCA(P791Rfs*21) is expected to be pathogenic in the context of Hermansky-Pudlak syndrome, HPS3-related. This variant is predicted to lead to an abnormal or absent protein product due to the creation of a premature termination codon in HPS3, a gene where loss-of-function variants are known to be pathogenic. Please note: this variant was assessed in the context of healthy population screening.

Baylor Genetics
Classification: Likely pathogenic for Hermansky-Pudlak syndrome 3. Last evaluated: 2024-03-22. Review status: criteria provided, single submitter. Criteria: ACMG Guidelines, 2015. Collection method: clinical testing. Allele origin: unknown.